The following is an entry in ClinVar:

ClinVar aggregate classification (germline): Conflicting classifications of pathogenicity. Review status: criteria provided, conflicting classifications (1 of 4 stars). 6 submissions from 6 submitters: Pathogenic (5); Uncertain significance (1). Last evaluated 2025-11-07.

Conditions:
Early-infantile DEE. Also called: Early infantile epileptic encephalopathy; Ohtahara syndrome; Early infantile epileptic encephalopathy with suppression bursts. Identifiers: Orphanet 1934, MedGen C0393706, MONDO:0800491.
Inborn genetic diseases. Identifiers: MedGen C0950123, MeSH D030342.
Severe myoclonic epilepsy in infancy (DRVT). Also called: Epileptic encephalopathy, early infantile, 6 (Dravet syndrome); SEVERE MYOCLONIC EPILEPSY OF INFANCY; DEVELOPMENTAL AND EPILEPTIC ENCEPHALOPATHY 6A; Severe Myoclonic Epilepsy in Infancy (SMEI); Dravet syndrome. Identifiers: Orphanet 33069, MedGen C0751122, MONDO:0100135, OMIM 607208.

Submissions (6):

Labcorp Genetics (formerly Invitae), Labcorp
Classification: Pathogenic for Early-infantile DEE. Last evaluated: 2025-11-07. Review status: criteria provided, single submitter. Criteria: Invitae Variant Classification Sherloc (09022015). Collection method: clinical testing. Allele origin: germline.
Comment: This sequence change replaces asparagine, which is neutral and polar, with serine, which is neutral and polar, at codon 359 of the SCN1A protein (p.Asn359Ser). This variant is not present in population databases (gnomAD no frequency). This missense change has been observed in individual(s) with Dravet syndrome (PMID: 21248271). In at least one individual the variant was observed to be de novo. ClinVar contains an entry for this variant (Variation ID: 189864). Invitae Evidence Modeling of protein sequence and biophysical properties (such as structural, functional, and spatial information, amino acid conservation, physicochemical variation, residue mobility, and thermodynamic stability) indicates that this missense variant is expected to disrupt SCN1A protein function with a positive predictive value of 95%. This variant disrupts the p.Asn359 amino acid residue in SCN1A. Other variant(s) that disrupt this residue have been observed in individuals with SCN1A-related conditions (PMID: 23708187, 23808377, 29142202), which suggests that this may be a clinically significant amino acid residue. For these reasons, this variant has been classified as Pathogenic.

Ambry Genetics
Classification: Pathogenic for Inborn genetic diseases. Last evaluated: 2024-08-26. Review status: criteria provided, single submitter. Criteria: Ambry Variant Classification Scheme 2023. Collection method: clinical testing. Allele origin: germline.
Comment: The c.1076A>G (p.N359S) alteration is located in exon 8 (coding exon 8) of the SCN1A gene. This alteration results from an A to G substitution at nucleotide position 1076, causing the asparagine (N) at amino acid position 359 to be replaced by a serine (S). for SCN1A-related seizure disorders; however, its clinical significance for SCN1A-related hemiplegic migraine is uncertain. This variant was not reported in population-based cohorts in the Genome Aggregation Database (gnomAD). This variant has been detected in multiple individuals with features consistent with SCN1A-related seizure disorders, including multiple cases of reported de novo occurrence (Zuberi, 2011; Gaily, 2013; Butler, 2017; Chahal, 2021; Brunklaus, 2022; Veltra, 2024). This amino acid position is well conserved in available vertebrate species. This missense alteration is located in a region that has a low rate of benign missense variation (Lek, 2016; Firth, 2009). The in silico prediction for this alteration is inconclusive. Based on the available evidence, this alteration is classified as pathogenic.

GeneDx
Classification: Pathogenic. Last evaluated: 2023-09-06. Review status: criteria provided, single submitter. Criteria: GeneDx Variant Classification Process June 2021. Collection method: clinical testing. Allele origin: germline. Affected: yes.
Comment: Not observed at significant frequency in large population cohorts (gnomAD); Missense variants in this gene are often considered pathogenic (HGMD); In silico analysis supports that this missense variant has a deleterious effect on protein structure/function; This substitution is predicted to be within the extracellular loop between the S5 and S6 transmembrane segments of the first homologous domain; This variant is associated with the following publications: (PMID: 24168886, 21248271, 34816733, 29056246, 29655203, 32090326, 35074891)

Institute of Human Genetics, University of Leipzig Medical Center
Classification: Pathogenic for Severe myoclonic epilepsy in infancy. Last evaluated: 2023-07-10. Review status: criteria provided, single submitter. Criteria: ACMG Guidelines, 2015. Collection method: clinical testing. Allele origin: de novo. Inheritance: Autosomal dominant inheritance. Affected: yes.
Comment: Criteria applied: PS2,PS4_MOD,PM1,PM2_SUP,PM5,PP3

Eurofins Ntd Llc (ga)
Classification: Uncertain significance. Last evaluated: 2016-04-01. Review status: criteria provided, single submitter. Criteria: EGL Classification Definitions 2015. Collection method: clinical testing. Allele origin: germline. Observed: 1 variant allele, 1 heterozygote.

Center for Bioinformatics, Peking University
Classification: Pathogenic for Dravet syndrome. Last evaluated: 2014-12-20. Review status: criteria provided, single submitter. Criteria: Xu et al. (Hum Mutat. 2015). Collection method: research. Allele origin: de novo. Affected: yes. Observed: 1 variant allele. Study: University Clinical Cooperation “985 Project” PKU-2014-1-1.
Comment: Dravet syndrome (DS) probands were recruited from the outpatient and inpatient child neurology units of Peking University First Hospital from 2005 till present. The study was approved by the Ethics Committee of Peking University First Hospital and the Institutional Review Board at Peking University. Participants or their parents provided written informed consent before enrollment. We collected a total of 267 mutations from 255 families with probands diagnosed with DS in China. All probands fulfilled the clinical diagnostic criteria.

Literature cited by the submitters: PubMed 21248271 (cited by Labcorp Genetics (formerly Invitae), Labcorp and Ambry Genetics); PubMed 23708187 (cited by Labcorp Genetics (formerly Invitae), Labcorp); PubMed 23808377 (cited by Labcorp Genetics (formerly Invitae), Labcorp and Ambry Genetics); PubMed 29142202 (cited by Labcorp Genetics (formerly Invitae), Labcorp); PubMed 29056246 (cited by Ambry Genetics); PubMed 34816733 (cited by Ambry Genetics); PubMed 35074891 (cited by Ambry Genetics); PubMed 38891831 (cited by Ambry Genetics).

NM_001165963.4(SCN1A):c.1076A>G (p.Asn359Ser)

Gene: SCN1A (sodium voltage-gated channel alpha subunit 1; minus strand). Cytogenetic location: 2q24.3.
Variant type: single nucleotide variant.
Coding change: c.1076A>G on transcript NM_001165963.4 (MANE Select); coding-DNA position 1076, A replaced by G.
Protein change: p.Asn359Ser; replaces asparagine 359 with serine.
Molecular consequence: missense variant. On other transcripts: 5 prime UTR variant (1), non-coding transcript variant (1).
Genome position (GRCh38, 1-based): chr2:166,047,721, T>C on the plus strand (A>G on the coding strand, the complement: SCN1A is on the minus strand). VCF-style: chr2-166047721-T-C. GRCh37 (hg19) VCF-style: chr2-166904231-T-C.
Other names: c.1076A>G, p.Asn359Ser (NM_001165964.3, NM_001202435.3, NM_001353948.2 and 10 more transcripts); c.-1350A>G (NM_001353961.2); short protein forms N359S.
Identifiers: ClinVar variation 189864 (VCV000189864.16), dbSNP rs794726713, ClinGen allele CA303143.